The following is an entry in ClinVar:

ClinVar aggregate classification (germline): Likely benign. Review status: criteria provided, multiple submitters, no conflicts (2 of 4 stars). 3 submissions from 3 submitters: Likely benign (3). Last evaluated 2025-11-06.

Conditions:
Familial hemophagocytic lymphohistiocytosis 5. Also called: STXBP2-Related Familial Hemophagocytic Lymphohistiocytosis (STXBP2-fHLH). Identifiers: Orphanet 540, MedGen C2751293, MONDO:0013135, OMIM 613101.

Allele frequency attached by ClinVar (database versions not stated): gnomAD 0.00001; TOPMed 0.00001; gnomAD exomes 0.00002 and 0.00003; ExAC 0.00004.
gnomAD v4.1: 44 of 1,570,366 alleles (0.0028%); highest among the groups gnomAD compares: Non-Finnish European, 0.0036%; no homozygotes.

Submissions (3):

Labcorp Genetics (formerly Invitae), Labcorp
Classification: Likely benign for Familial hemophagocytic lymphohistiocytosis 5. Last evaluated: 2025-11-06. Review status: criteria provided, single submitter. Criteria: Invitae Variant Classification Sherloc (09022015). Collection method: clinical testing. Allele origin: germline.

CeGaT Center for Human Genetics Tuebingen
Classification: Likely benign. Last evaluated: 2025-10-01. Review status: criteria provided, single submitter. Criteria: CeGaT Center For Human Genetics Tuebingen Variant Classification Criteria Version 2. Collection method: clinical testing. Allele origin: germline. Affected: yes. Observed: 1 variant allele.
Comment: STXBP2: BP4, BP7

Blueprint Genetics
Classification: Likely benign. Last evaluated: 2024-02-02. Review status: criteria provided, single submitter. Criteria: ACMG Guidelines, 2015. Collection method: clinical testing. Allele origin: germline.

NM_006949.4(STXBP2):c.1273C>T (p.Leu425=)

Gene: STXBP2 (syntaxin binding protein 2; plus strand). Cytogenetic location: 19p13.2.
Variant type: single nucleotide variant.
Coding change: c.1273C>T on transcript NM_006949.4 (MANE Select); coding-DNA position 1273, C replaced by T.
Protein change: p.Leu425=; no amino-acid change (leucine 425 retained).
Molecular consequence: synonymous variant. On other transcripts: non-coding transcript variant (1).
Genome position (GRCh38, 1-based): chr19:7,645,223, C>T. VCF-style: chr19-7645223-C-T. GRCh37 (hg19) VCF-style: chr19-7710109-C-T.
Other names: c.1264C>T, p.Leu422= (NM_001127396.3); c.1306C>T, p.Leu436= (NM_001272034.2).
Identifiers: ClinVar variation 1147633 (VCV001147633.16), dbSNP rs766203399, ClinGen allele CA9144084.